The following is an entry in ClinVar:

ClinVar aggregate classification (germline): Uncertain significance (1 of 4 stars; one submission).

Conditions:
Inborn genetic diseases. Identifiers: MedGen C0950123, MeSH D030342.

Submission:

Ambry Genetics
Classification: Uncertain significance for Inborn genetic diseases. Last evaluated: 2026-01-25. Review status: criteria provided, single submitter. Criteria: Ambry Variant Classification Scheme 2023. Collection method: clinical testing. Allele origin: germline.
Comment: The p.A263S variant (also known as c.787G>T), located in coding exon 5 of the ELANE gene, results from a G to T substitution at nucleotide position 787. The alanine at codon 263 is replaced by serine, an amino acid with similar properties. This amino acid position is conserved. In addition, this alteration is predicted to be tolerated by in silico analysis. Based on the available evidence, the clinical significance of this variant remains unclear.

NM_001972.4(ELANE):c.787G>T (p.Ala263Ser)

Gene: ELANE (elastase, neutrophil expressed; plus strand). Cytogenetic location: 19p13.3.
Variant type: single nucleotide variant.
Coding change: c.787G>T on transcript NM_001972.4 (MANE Select); coding-DNA position 787, G replaced by T.
Protein change: p.Ala263Ser; replaces alanine 263 with serine.
Molecular consequence: missense variant.
Genome position (GRCh38, 1-based): chr19:856,147, G>T. VCF-style: chr19-856147-G-T. GRCh37 (hg19) VCF-style: chr19-856147-G-T.
Other names: short protein forms A263S.
Identifiers: ClinVar variation 4824011 (VCV004824011.1).
Genomic context (GRCh38, chr19:856,147, plus strand): 5'-GACTCTATCATCCAACGCTCCGAGGACAACCCCTGTCCCCACCCCCGGGACCCGGACCCG[G>T]CCAGCAGGACCCACTGAGAAGGGCTGCCCGGGTCACCTCAGCTGCCCACACCCACACTCT-3'
Protein context (NP_001963.1, residues 253-267): PCPHPRDPDP[Ala263Ser]SRTH